The following is an entry in ClinVar:

NM_007294.4(BRCA1):c.903G>T (p.Lys301Asn)

Gene: BRCA1 (BRCA1 DNA repair associated; minus strand). Cytogenetic location: 17q21.31.
Variant type: single nucleotide variant.
Coding change: c.903G>T on transcript NM_007294.4 (MANE Select); coding-DNA position 903, G replaced by T.
Protein change: p.Lys301Asn; replaces lysine 301 with asparagine.
Molecular consequence: missense variant. On other transcripts: intron variant (137).
Genome position (GRCh38, 1-based): chr17:43,094,628, C>A on the plus strand (G>T on the coding strand, the complement: BRCA1 is on the minus strand). VCF-style: chr17-43094628-C-A. GRCh37 (hg19) VCF-style: chr17-41246645-C-A.
Other names: c.759G>T, p.Lys253Asn (NM_001407843.1, NM_001407844.1, NM_001407845.1 and 20 more transcripts); c.762G>T, p.Lys254Asn (NM_001407850.1, NM_001407851.1, NM_001407852.1 and 29 more transcripts); c.690G>T, p.Lys230Asn (NM_001407853.1, NM_001407894.1, NM_001407895.1 and 9 more transcripts); c.903G>T, p.Lys301Asn (NM_001407854.1, NM_001407858.1, NM_001407859.1 and 30 more transcripts); c.900G>T, p.Lys300Asn (NM_001407860.1, NM_001407861.1, NM_001407587.1 and 22 more transcripts); c.702G>T, p.Lys234Asn (NM_001407862.1); c.780G>T, p.Lys260Asn (NM_001407863.1, NM_001407919.1, NM_001407937.1 and 19 more transcripts); c.699G>T, p.Lys233Asn (NM_001407874.1, NM_001407875.1); and 40 more; short protein forms K254N, K301N, K133N, K230N, K233N, K260N, K5N, K190N.
Identifiers: ClinVar variation 822923 (VCV000822923.7), dbSNP rs1038244014, ClinGen allele CA10600269.
Genomic context (GRCh38, chr17:43,094,628, plus strand): 5'-CCATCTGTTATGTTGGCTCCTTGCTAAGCCAGGCTGTTTGCTTTTATTACAGAATTCAGC[C>A]TTTTCTACATTCATTCTGTCTTTAGTGAGTAATAAACTGCTGTTCTCATGCTGTAATGAG-3'
Protein context (NP_009225.1, residues 291-311): LLTKDRMNVE[Lys301Asn]AEFCNKSKQP

ClinVar aggregate classification (germline): Conflicting classifications of pathogenicity. Review status: criteria provided, conflicting classifications (1 of 4 stars). 2 submissions from 2 submitters: Uncertain significance (1); Likely benign (1). Last evaluated 2023-03-23.

Conditions:
Hereditary cancer-predisposing syndrome. Also called: Tumor predisposition; Hereditary Cancer Syndrome; Neoplastic Syndromes, Hereditary; Hereditary neoplastic syndrome. Identifiers: Orphanet 140162, MedGen C0027672, MeSH D009386, MONDO:0015356.

Submissions (2):

University of Washington Department of Laboratory Medicine, University of Washington
Classification: Likely benign for Hereditary cancer-predisposing syndrome. Last evaluated: 2023-03-23. Review status: criteria provided, single submitter. Criteria: Dines et al. (Genet Med. 2020). Collection method: curation. Allele origin: germline.
Comment: Missense variant in a coldspot region where missense variants are very unlikely to be pathogenic (PMID:31911673).

BRCA1 coldspot (exon 11 using historical exon numbering). Reclassification based on statistical prior probability

Ambry Genetics
Classification: Uncertain significance for Hereditary cancer-predisposing syndrome. Last evaluated: 2019-03-08. Review status: criteria provided, single submitter. Criteria: Ambry Variant Classification Scheme 2023. Collection method: clinical testing. Allele origin: germline.
Comment: The p.K301N variant (also known as c.903G>T), located in coding exon 9 of the BRCA1 gene, results from a G to T substitution at nucleotide position 903. The lysine at codon 301 is replaced by asparagine, an amino acid with similar properties. This amino acid position is well conserved in available vertebrate species. In addition, the in silico prediction for this alteration is inconclusive. Since supporting evidence is limited at this time, the clinical significance of this alteration remains unclear.